The following is an entry in ClinVar:

NM_138711.6(PPARG):c.1245_1246delinsCT (p.Glu416Ter)

Gene: PPARG (peroxisome proliferator activated receptor gamma; plus strand). Cytogenetic location: 3p25.2.
Variant type: Indel.
Coding change: c.1245_1246delinsCT on transcript NM_138711.6 (MANE Select); coding-DNA positions 1245 to 1246, GG replaced by CT.
Protein change: p.Glu416Ter; replaces glutamic acid 416 with a stop codon.
Molecular consequence: nonsense. On other transcripts: 3 prime UTR variant (5).
Genome position (GRCh38, 1-based): chr3:12,433,962-12,433,963, GG replaced by CT. VCF-style: chr3-12433962-GG-CT. GRCh37 (hg19) VCF-style: chr3-12475461-GG-CT.
Other names: c.1245_1246delinsCT, p.Glu416Ter (NM_001374264.2, NM_005037.7, NM_001354666.3 and 3 more transcripts); c.*47_*48delinsCT (NM_001374265.1, NM_001330615.4, NM_001374261.3 and 1 more transcripts); c.*31_*32delinsCT (NM_001374266.1); c.1335_1336delinsCT, p.Glu446Ter (NM_015869.5); c.618_619delinsCT, p.Glu207Ter (NM_001354669.2); short protein forms E207*, E446*, E416*.
Identifiers: ClinVar variation 3691790 (VCV003691790.2).
Genomic context (GRCh38, chr3:12,433,962, plus strand): 5'-CCCAGGTTTGCTGAATGTGAAGCCCATTGAAGACATTCAAGACAACCTGCTACAAGCCCT[GG>CT]AGCTCCAGCTGAAGCTGAACCACCCTGAGTCCTCACAGCTGTTTGCCAAGCTGCTCCAGA-3'

ClinVar aggregate classification (germline): Pathogenic (1 of 4 stars; one submission).

Submission:

Labcorp Genetics (formerly Invitae), Labcorp
Classification: Pathogenic. Last evaluated: 2024-05-29. Review status: criteria provided, single submitter. Criteria: Invitae Variant Classification Sherloc (09022015). Collection method: clinical testing. Allele origin: germline.
Comment: This sequence change creates a premature translational stop signal (p.Glu446*) in the PPARG gene. While this is not anticipated to result in nonsense mediated decay, it is expected to disrupt the last 60 amino acid(s) of the PPARG protein. Information on the frequency of this variant in the gnomAD database is not available, as this variant may be reported differently in the database. This variant has not been reported in the literature in individuals affected with PPARG-related conditions. This variant disrupts a region of the PPARG protein in which other variant(s) (p.Pro495Leu) have been determined to be pathogenic (PMID: 10622252, 12663460). This suggests that this is a clinically significant region of the protein, and that variants that disrupt it are likely to be disease-causing. For these reasons, this variant has been classified as Pathogenic.

Literature cited by the submitters: PubMed 10622252; PubMed 12663460.